The following is an entry in ClinVar:

NM_182961.4(SYNE1):c.7406A>G (p.Glu2469Gly)

Gene: SYNE1 (spectrin repeat containing nuclear envelope protein 1; minus strand). Cytogenetic location: 6q25.2.
Variant type: single nucleotide variant.
Coding change: c.7406A>G on transcript NM_182961.4 (MANE Select); coding-DNA position 7406, A replaced by G.
Protein change: p.Glu2469Gly; replaces glutamic acid 2469 with glycine.
Molecular consequence: missense variant.
Genome position (GRCh38, 1-based): chr6:152,396,925, T>C on the plus strand (A>G on the coding strand, the complement: SYNE1 is on the minus strand). VCF-style: chr6-152396925-T-C. GRCh37 (hg19) VCF-style: chr6-152718060-T-C.
Other names: c.7427A>G, p.Glu2476Gly (NM_033071.5); short protein forms E2469G, E2476G.
Identifiers: ClinVar variation 1467521 (VCV001467521.8), dbSNP rs371796151, ClinGen allele CA4057825.

ClinVar aggregate classification (germline): Uncertain significance (1 of 4 stars; one submission).

Conditions:
Autosomal recessive ataxia, Beauce type. Also called: SYNE1-Related Autosomal Recessive Cerebellar Ataxia; Spinocerebellar ataxia, autosomal recessive 8; ATAXIA, RECESSIVE, OF BEAUCE; SYNE1 Deficiency. Identifiers: Orphanet 88644, MedGen C1853116, MONDO:0012549, OMIM 610743.
Emery-Dreifuss muscular dystrophy 4, autosomal dominant (EDMD4). Also called: EMERY-DREIFUSS MUSCULAR DYSTROPHY 4 WITH VARIABLE FEATURES. Identifiers: Orphanet 261, MedGen C2751807, MONDO:0013071, OMIM 612998.

Allele frequency attached by ClinVar (database versions not stated): gnomAD exomes below 0.00001; ExAC 0.00001; TOPMed 0.00001; ESP Exome Variant Server 0.00008.

Submission:

Labcorp Genetics (formerly Invitae), Labcorp
Classification: Uncertain significance for Emery-Dreifuss muscular dystrophy 4, autosomal dominant; Autosomal recessive ataxia, Beauce type. Last evaluated: 2023-12-22. Review status: criteria provided, single submitter. Criteria: Invitae Variant Classification Sherloc (09022015). Collection method: clinical testing. Allele origin: germline.
Comment: This sequence change replaces glutamic acid, which is acidic and polar, with glycine, which is neutral and non-polar, at codon 2476 of the SYNE1 protein (p.Glu2476Gly). This variant is not present in population databases (gnomAD no frequency). This variant has not been reported in the literature in individuals affected with SYNE1-related conditions. ClinVar contains an entry for this variant (Variation ID: 1467521). An algorithm developed to predict the effect of missense changes on protein structure and function (PolyPhen-2) suggests that this variant is likely to be disruptive. In summary, the available evidence is currently insufficient to determine the role of this variant in disease. Therefore, it has been classified as a Variant of Uncertain Significance.